The following is an entry in ClinVar:

NM_001024630.4(RUNX2):c.1013G>A (p.Arg338His)

Gene: RUNX2 (RUNX family transcription factor 2; plus strand). Cytogenetic location: 6p21.1.
Variant type: single nucleotide variant.
Coding change: c.1013G>A on transcript NM_001024630.4 (MANE Select); coding-DNA position 1013, G replaced by A.
Protein change: p.Arg338His; replaces arginine 338 with histidine.
Molecular consequence: missense variant.
Genome position (GRCh38, 1-based): chr6:45,512,399, G>A. VCF-style: chr6-45512399-G-A. GRCh37 (hg19) VCF-style: chr6-45480136-G-A.
Other names: c.1013G>A, p.Arg338His (NM_001015051.4); c.971G>A, p.Arg324His (NM_001278478.2, NM_001369405.1); short protein forms R324H, R338H.
Identifiers: ClinVar variation 4158247 (VCV004158247.2).
Genomic context (GRCh38, chr6:45,512,399, plus strand): 5'-CCACCCCGCTGTCTTCCACACGGGGCACTGGGCTTCCTGCCATCACCGATGTGCCTAGGC[G>A]CATTTCAGGTAAAGACCGTGCTTTAACTAAAAATCCATCCCTGCACAGGGGTCGGGGGGA-3'
Protein context (NP_001019801.3, residues 328-348): GLPAITDVPR[Arg338His]ISDDDTATSD

ClinVar aggregate classification (germline): Uncertain significance. Review status: criteria provided, multiple submitters, no conflicts (2 of 4 stars). 2 submissions from 2 submitters: Uncertain significance (2). Last evaluated 2025-08-04.

Conditions:
Inborn genetic diseases. Identifiers: MedGen C0950123, MeSH D030342.

gnomAD v4.1: 15 of 1,613,912 alleles (0.00093%); highest among the groups gnomAD compares: Non-Finnish European, 0.0011%; no homozygotes.

Submissions (2):

Ambry Genetics
Classification: Uncertain significance for Inborn genetic diseases. Last evaluated: 2025-08-04. Review status: criteria provided, single submitter. Criteria: Ambry Variant Classification Scheme 2023. Collection method: clinical testing. Allele origin: germline.

Labcorp Genetics (formerly Invitae), Labcorp
Classification: Uncertain significance. Last evaluated: 2025-08-04. Review status: criteria provided, single submitter. Criteria: Invitae Variant Classification Sherloc (09022015). Collection method: clinical testing. Allele origin: germline.
Comment: This sequence change replaces arginine, which is basic and polar, with histidine, which is basic and polar, at codon 338 of the RUNX2 protein (p.Arg338His). This variant is present in population databases (rs367898326, gnomAD 0.005%). This variant has not been reported in the literature in individuals affected with RUNX2-related conditions. Invitae Evidence Modeling of protein sequence and biophysical properties (such as structural, functional, and spatial information, amino acid conservation, physicochemical variation, residue mobility, and thermodynamic stability) indicates that this missense variant is not expected to disrupt RUNX2 protein function with a negative predictive value of 80%. In summary, the available evidence is currently insufficient to determine the role of this variant in disease. Therefore, it has been classified as a Variant of Uncertain Significance.